The following is an entry in ClinVar:

NM_177438.3(DICER1):c.1157A>G (p.Lys386Arg)

Gene: DICER1 (dicer 1, ribonuclease III; minus strand). Cytogenetic location: 14q32.13.
Variant type: single nucleotide variant.
Coding change: c.1157A>G on transcript NM_177438.3 (MANE Select); coding-DNA position 1157, A replaced by G.
Protein change: p.Lys386Arg; replaces lysine 386 with arginine.
Molecular consequence: missense variant.
Genome position (GRCh38, 1-based): chr14:95,124,415, T>C on the plus strand (A>G on the coding strand, the complement: DICER1 is on the minus strand). VCF-style: chr14-95124415-T-C. GRCh37 (hg19) VCF-style: chr14-95590752-T-C.
Other names: NM_177438.3(DICER1):c.1157A>G; p.Lys386Arg; c.1157A>G, p.Lys386Arg (NM_001195573.1, NM_001271282.3, NM_001291628.2 and 1 more transcripts); short protein forms K386R.
Identifiers: ClinVar variation 479632 (VCV000479632.22), dbSNP rs777556655, ClinGen allele CA7331519.

ClinVar aggregate classification (germline): Likely benign. Review status: reviewed by expert panel (3 of 4 stars). 5 submissions from 5 submitters: Likely benign (1). 4 of the submissions do not count toward it. Last evaluated 2024-08-27.

Conditions:
Global developmental delay - lung cysts - overgrowth - Wilms tumor syndrome. Also called: GLOW Syndrome; GLOBAL DEVELOPMENTAL DELAY, LUNG CYSTS, OVERGROWTH, AND WILMS TUMOR. Identifiers: Orphanet 404476, MedGen C4748924, MONDO:0018445, OMIM 618272.
DICER1-related tumor predisposition. Also called: DICER1-related pleuropulmonary blastoma cancer predisposition syndrome; DICER1 syndrome. Identifiers: Orphanet 284343, MedGen C3839822, MONDO:0100216.
Hereditary cancer-predisposing syndrome. Also called: Tumor predisposition; Neoplastic Syndromes, Hereditary; Hereditary Cancer Syndrome; Hereditary neoplastic syndrome. Identifiers: Orphanet 140162, MedGen C0027672, MeSH D009386, MONDO:0015356.

Allele frequency attached by ClinVar (database versions not stated): ExAC 0.00001; gnomAD 0.00001; gnomAD exomes 0.00001; TOPMed 0.00001.
gnomAD v4.1: 17 of 1,614,068 alleles (0.0011%); highest among the groups gnomAD compares: Non-Finnish European, 0.0014%; no homozygotes.

Submissions (5):

ClinGen DICER1 and miRNA-Processing Gene Variant Curation Expert Panel, ClinGen
Classification: Likely benign for DICER1-related tumor predisposition. Last evaluated: 2024-08-27. Review status: reviewed by expert panel. Criteria: ClinGen DICER1 ACMG Specifications DICER1 V1.3.0. Collection method: curation. Allele origin: germline. Inheritance: Autosomal dominant inheritance.
Comment: The NM_177438.3:c.1157A>G variant in DICER1 is a missense variant predicted to cause substitution of lysine by arginine at amino acid 386 (p.Lys386Arg). This variant has been observed in trans with the variant c.3091C>T, p.Gln1031Ter (Internal lab contributors) which would be classified as pathogenic/likely pathogenic by the ClinGen DICER1 VCEP specifications (BP2). This variant has been seen in 10 or more unrelated females without tumors through age 50 in at least one testing laboratory (BS2_Supporting; Internal lab contributors). The total allele frequency in gnomAD v4.1.0 is 0.00001053 (17/1614068 alleles) with a highest population minor allele frequency of 0.00001356 (16/1180004 alleles) in European (non-Finnish) population (PM2_Supporting, BS1, and BA1 are not met). In silico tools predict no damaging impact of the variant on protein function (REVEL: 0.123; MaxEntScan and SpliceAI: no effect on splicing) (BP4). In summary, this variant meets the criteria to be classified as Likely Benign for DICER1-related tumor predisposition based on the ACMG/AMP criteria applied, as specified by the ClinGen DICER1 VCEP: BS2_supporting, BP2, BP4. (Bayesian Points: -3; VCEP specifications version 1.3.0; 08/27/2024)

Labcorp Genetics (formerly Invitae), Labcorp
Classification: Likely benign for DICER1-related tumor predisposition. Last evaluated: 2026-01-27. Review status: criteria provided, single submitter. Criteria: Invitae Variant Classification Sherloc (09022015). Collection method: clinical testing. Allele origin: germline. Not counted in ClinVar's aggregate classification.

Ambry Genetics
Classification: Uncertain significance for Hereditary cancer-predisposing syndrome. Last evaluated: 2024-09-02. Review status: criteria provided, single submitter. Criteria: Ambry Variant Classification Scheme 2023. Collection method: clinical testing. Allele origin: germline. Not counted in ClinVar's aggregate classification.
Comment: The p.K386R variant (also known as c.1157A>G), located in coding exon 7 of the DICER1 gene, results from an A to G substitution at nucleotide position 1157. The lysine at codon 386 is replaced by arginine, an amino acid with highly similar properties. This amino acid position is well conserved in available vertebrate species. In addition, this alteration is predicted to be tolerated by in silico analysis. Since supporting evidence is limited at this time, the clinical significance of this alteration remains unclear.

Baylor Genetics
Classification: Uncertain significance for Global developmental delay - lung cysts - overgrowth - Wilms tumor syndrome. Last evaluated: 2024-03-27. Review status: criteria provided, single submitter. Criteria: ACMG Guidelines, 2015. Collection method: clinical testing. Allele origin: unknown. Not counted in ClinVar's aggregate classification.

GeneDx
Classification: Uncertain significance. Last evaluated: 2022-08-04. Review status: criteria provided, single submitter. Criteria: GeneDx Variant Classification Process June 2021. Collection method: clinical testing. Allele origin: germline. Affected: yes. Not counted in ClinVar's aggregate classification.
Comment: Not observed at significant frequency in large population cohorts (gnomAD); In silico analysis supports that this missense variant does not alter protein structure/function; Has not been previously published as pathogenic or benign to our knowledge